The following is an entry in ClinVar:

NM_138694.4(PKHD1):c.5094C>A (p.Asn1698Lys)

Genes: PKHD1 (PKHD1 ciliary IPT domain containing fibrocystin/polyductin; minus strand), LOC126859690 (MED14-independent group 3 enhancer GRCh37_chr6:51888848-51890047; plus strand). Cytogenetic location: 6p12.2.
Variant type: single nucleotide variant.
Coding change: c.5094C>A on transcript NM_138694.4 (MANE Select); coding-DNA position 5094, C replaced by A.
Protein change: p.Asn1698Lys; replaces asparagine 1698 with lysine.
Molecular consequence: missense variant.
Genome position (GRCh38, 1-based): chr6:52,024,716, G>T on the plus strand (C>A on the coding strand, the complement: PKHD1 is on the minus strand). VCF-style: chr6-52024716-G-T. GRCh37 (hg19) VCF-style: chr6-51889514-G-T.
Other names: c.5094C>A, p.Asn1698Lys (NM_170724.3); short protein forms N1698K.
Identifiers: ClinVar variation 2002381 (VCV002002381.1), dbSNP rs754435223, ClinGen allele CA364428690.
Genomic context (GRCh38, chr6:52,024,716, plus strand): 5'-GCCTCTGACGTGGTACTCCCCGGCCGGAAGGGAAGGGACCACGCACTGAAGAACGGTGTG[G>T]TTACCAGAGACACCCACACAGGGTGACATTCCTATAAAAATGTCAATGTTTGCAGCTCCT-3'
Protein context (NP_619639.3, residues 1688-1708): GMSPCVGVSG[Asn1698Lys]HTVLQCVVPS

ClinVar aggregate classification (germline): Uncertain significance (1 of 4 stars; one submission).

Conditions:
Autosomal recessive polycystic kidney disease (ARPKD). Also called: AR polycystic kidney disease. Identifiers: Orphanet 731, Orphanet 8378, MedGen C0085548, MeSH D017044, MONDO:0009889.

Submission:

Labcorp Genetics (formerly Invitae), Labcorp
Classification: Uncertain significance for Autosomal recessive polycystic kidney disease. Last evaluated: 2022-04-25. Review status: criteria provided, single submitter. Criteria: Invitae Variant Classification Sherloc (09022015). Collection method: clinical testing. Allele origin: germline.
Comment: This sequence change replaces asparagine, which is neutral and polar, with lysine, which is basic and polar, at codon 1698 of the PKHD1 protein (p.Asn1698Lys). This variant is not present in population databases (gnomAD no frequency). This variant has not been reported in the literature in individuals affected with PKHD1-related conditions. Advanced modeling of protein sequence and biophysical properties (such as structural, functional, and spatial information, amino acid conservation, physicochemical variation, residue mobility, and thermodynamic stability) performed at Invitae indicates that this missense variant is not expected to disrupt PKHD1 protein function. In summary, the available evidence is currently insufficient to determine the role of this variant in disease. Therefore, it has been classified as a Variant of Uncertain Significance.